The following is an entry in ClinVar:

ClinVar aggregate classification (germline): Uncertain significance (1 of 4 stars; one submission).

Conditions:
Hyperaldosteronism, familial, type IV (HALD4). Also called: FH IV; ALDOSTERONISM, PRIMARY, AND HYPERTENSION. Identifiers: Orphanet 642671, MedGen C4310756, MONDO:0014875, OMIM 617027.
Idiopathic generalized epilepsy. Also called: Generalised epilepsy; EIG. Identifiers: MedGen C0270850, MONDO:0005579, OMIM 600669.

gnomAD v4.1: 3 of 1,613,118 alleles (0.00019%); highest among the groups gnomAD compares: Non-Finnish European, 0.00025%; no homozygotes.

Submission:

Labcorp Genetics (formerly Invitae), Labcorp
Classification: Uncertain significance for Idiopathic generalized epilepsy; Hyperaldosteronism, familial, type IV. Last evaluated: 2025-05-22. Review status: criteria provided, single submitter. Criteria: Invitae Variant Classification Sherloc (09022015). Collection method: clinical testing. Allele origin: germline.
Comment: This sequence change replaces leucine, which is neutral and non-polar, with proline, which is neutral and non-polar, at codon 845 of the CACNA1H protein (p.Leu845Pro). This variant is not present in population databases (gnomAD no frequency). This variant has not been reported in the literature in individuals affected with CACNA1H-related conditions. Invitae Evidence Modeling of protein sequence and biophysical properties (such as structural, functional, and spatial information, amino acid conservation, physicochemical variation, residue mobility, and thermodynamic stability) indicates that this missense variant is expected to disrupt CACNA1H protein function with a positive predictive value of 80%. In summary, the available evidence is currently insufficient to determine the role of this variant in disease. Therefore, it has been classified as a Variant of Uncertain Significance.

NM_021098.3(CACNA1H):c.2534T>C (p.Leu845Pro)

Gene: CACNA1H (calcium voltage-gated channel subunit alpha1 H; plus strand). Cytogenetic location: 16p13.3.
Variant type: single nucleotide variant.
Coding change: c.2534T>C on transcript NM_021098.3 (MANE Select); coding-DNA position 2534, T replaced by C.
Protein change: p.Leu845Pro; replaces leucine 845 with proline.
Molecular consequence: missense variant.
Genome position (GRCh38, 1-based): chr16:1,205,196, T>C. VCF-style: chr16-1205196-T-C. GRCh37 (hg19) VCF-style: chr16-1255196-T-C.
Other names: c.2534T>C, p.Leu845Pro (NM_001005407.2); short protein forms L845P.
Identifiers: ClinVar variation 4788678 (VCV004788678.1).